The following is an entry in ClinVar:

ClinVar aggregate classification (germline): Uncertain significance (1 of 4 stars; one submission).

Conditions:
H syndrome. Also called: Asrar Facharzt Haque syndrome; HISTIOCYTOSIS AND LYMPHADENOPATHY WITH OR WITHOUT CUTANEOUS, CARDIAC, AND/OR ENDOCRINE FEATURES, JOINT CONTRACTURES, AND/OR DEAFNESS; HYPERPIGMENTATION, CUTANEOUS, WITH HYPERTRICHOSIS, HEPATOSPLENOMEGALY, HEART ANOMALIES, AND HYPOGONADISM WITH OR WITHOUT HEARING LOSS; PIGMENTED HYPERTRICHOSIS WITH INSULIN-DEPENDENT DIABETES MELLITUS; ROSAI-DORFMAN DISEASE, FAMILIAL; SINUS HISTIOCYTOSIS AND MASSIVE LYMPHADENOPATHY. Identifiers: Orphanet 168569, MedGen C1864445, MONDO:0011273, OMIM 602782.

Allele frequency attached by ClinVar (database versions not stated): ExAC 0.00001; gnomAD 0.00001; gnomAD exomes 0.00001 and 0.00002; TOPMed 0.00003.
gnomAD v4.1: 26 of 1,613,866 alleles (0.0016%); highest among the groups gnomAD compares: Non-Finnish European, 0.0022%; no homozygotes.

Submission:

Labcorp Genetics (formerly Invitae), Labcorp
Classification: Uncertain significance for H syndrome. Last evaluated: 2021-08-13. Review status: criteria provided, single submitter. Criteria: Invitae Variant Classification Sherloc (09022015). Collection method: clinical testing. Allele origin: germline.
Comment: This sequence change replaces asparagine with lysine at codon 84 of the SLC29A3 protein (p.Asn84Lys). The asparagine residue is moderately conserved and there is a moderate physicochemical difference between asparagine and lysine. This variant is present in population databases (rs749057267, ExAC 0.002%). This variant has not been reported in the literature in individuals affected with SLC29A3-related conditions. Algorithms developed to predict the effect of missense changes on protein structure and function are either unavailable or do not agree on the potential impact of this missense change (SIFT: "Tolerated"; PolyPhen-2: "Possibly Damaging"; Align-GVGD: "Class C0"). In summary, the available evidence is currently insufficient to determine the role of this variant in disease. Therefore, it has been classified as a Variant of Uncertain Significance.

NM_018344.6(SLC29A3):c.252C>G (p.Asn84Lys)

Gene: SLC29A3 (solute carrier family 29 member 3; plus strand). Cytogenetic location: 10q22.1.
Variant type: single nucleotide variant.
Coding change: c.252C>G on transcript NM_018344.6 (MANE Select); coding-DNA position 252, C replaced by G.
Protein change: p.Asn84Lys; replaces asparagine 84 with lysine.
Molecular consequence: missense variant. On other transcripts: non-coding transcript variant (2).
Genome position (GRCh38, 1-based): chr10:71,323,006, C>G. VCF-style: chr10-71323006-C-G. GRCh37 (hg19) VCF-style: chr10-73082763-C-G.
Other names: c.252C>G, p.Asn84Lys (NM_001174098.2); c.18C>G, p.Asn6Lys (NM_001363518.2); short protein forms N84K, N6K.
Identifiers: ClinVar variation 566819 (VCV000566819.6), dbSNP rs749057267, ClinGen allele CA5542856.